The following is an entry in ClinVar:

ClinVar aggregate classification (germline): Uncertain significance (1 of 4 stars; one submission).

Submission:

Labcorp Genetics (formerly Invitae), Labcorp
Classification: Uncertain significance. Last evaluated: 2023-12-11. Review status: criteria provided, single submitter. Criteria: Invitae Variant Classification Sherloc (09022015). Collection method: clinical testing. Allele origin: germline.
Comment: This sequence change replaces valine, which is neutral and non-polar, with leucine, which is neutral and non-polar, at codon 1169 of the POLA1 protein (p.Val1169Leu). This variant is not present in population databases (gnomAD no frequency). This variant has not been reported in the literature in individuals affected with POLA1-related conditions. ClinVar contains an entry for this variant (Variation ID: 2068798). Advanced modeling of protein sequence and biophysical properties (such as structural, functional, and spatial information, amino acid conservation, physicochemical variation, residue mobility, and thermodynamic stability) performed at Invitae indicates that this missense variant is not expected to disrupt POLA1 protein function with a negative predictive value of 80%. In summary, the available evidence is currently insufficient to determine the role of this variant in disease. Therefore, it has been classified as a Variant of Uncertain Significance.

NM_001330360.2(POLA1):c.3523G>T (p.Val1175Leu)

Gene: POLA1 (DNA polymerase alpha 1, catalytic subunit; plus strand). Cytogenetic location: Xp22.11.
Variant type: single nucleotide variant.
Coding change: c.3523G>T on transcript NM_001330360.2 (MANE Select); coding-DNA position 3523, G replaced by T.
Protein change: p.Val1175Leu; replaces valine 1175 with leucine.
Molecular consequence: missense variant. On other transcripts: non-coding transcript variant (2).
Genome position (GRCh38, 1-based): chrX:24,821,545, G>T. VCF-style: chrX-24821545-G-T. GRCh37 (hg19) VCF-style: chrX-24839662-G-T.
Other names: c.3448G>T, p.Val1150Leu (NM_001378303.1); c.3505G>T, p.Val1169Leu (NM_016937.4); short protein forms V1150L, V1169L, V1175L.
Identifiers: ClinVar variation 2068798 (VCV002068798.4), dbSNP rs2518694089, ClinGen allele CA412527530.